The following is an entry in ClinVar:

ClinVar aggregate classification (germline): Benign (1 of 4 stars; one submission).

Conditions:
Progressive myoclonic epilepsy. Also called: Progressive myoclonus epilepsy; Myoclonus epilepsy; Familial progressive myoclonic epilepsy; Myoclonic Epilepsies, Progressive. Identifiers: Orphanet 308, Orphanet 98261, MedGen C0751778, MONDO:0020074.

Allele frequency attached by ClinVar (database versions not stated): gnomAD 0.02263 and 0.02403; 1000 Genomes Project 0.02576; TOPMed 0.02582; 1000 Genomes Project 30x 0.02655.

Submission:

Illumina Laboratory Services, Illumina
Classification: Benign for Progressive myoclonic epilepsy. Last evaluated: 2018-01-12. Review status: criteria provided, single submitter. Criteria: ICSL Variant Classification Criteria 13 December 2019. Collection method: clinical testing. Allele origin: germline.
Comment: This variant was observed in the ICSL laboratory as part of a predisposition screen in an ostensibly healthy population. It had not been previously curated by ICSL or reported in the Human Gene Mutation Database (HGMD: prior to June 1st, 2018), and was therefore a candidate for classification through an automated scoring system. Utilizing variant allele frequency, disease prevalence and penetrance estimates, and inheritance mode, an automated score was calculated to assess if this variant is too frequent to cause the disease. Based on the score and internal cut-off values, a variant classified as benign is not then subjected to further curation. The score for this variant resulted in a classification of benign for this disease.

NM_198859.4(PRICKLE2):c.*3333T>C

Genes: PRICKLE2 (prickle planar cell polarity protein 2; minus strand), PRICKLE2-AS1 (PRICKLE2 antisense RNA 1; plus strand). Cytogenetic location: 3p14.1.
Variant type: single nucleotide variant.
Coding change: c.*3333T>C on transcript NM_198859.4 (MANE Select); 3333 bases downstream of the stop codon, T replaced by C.
Molecular consequence: 3 prime UTR variant.
Genome position (GRCh38, 1-based): chr3:64,095,718, A>G on the plus strand (T>C on the coding strand, the complement: PRICKLE2 is on the minus strand). VCF-style: chr3-64095718-A-G. GRCh37 (hg19) VCF-style: chr3-64081394-A-G.
Other names: c.*3333T>C (NM_001370528.1).
Identifiers: ClinVar variation 346430 (VCV000346430.5), dbSNP rs72874609, ClinGen allele CA10617265.